The following is an entry in ClinVar:

ClinVar aggregate classification (germline): Uncertain significance (1 of 4 stars; one submission).

Submission:

GeneDx
Classification: Uncertain significance. Last evaluated: 2024-03-05. Review status: criteria provided, single submitter. Criteria: GeneDx Variant Classification Process June 2021. Collection method: clinical testing. Allele origin: germline. Affected: yes.
Comment: Not observed at significant frequency in large population cohorts (gnomAD); In silico analysis supports that this missense variant has a deleterious effect on protein structure/function; Reported using an alternate transcript of the gene; Has not been previously published as pathogenic or benign to our knowledge

NM_006922.4(SCN3A):c.603-182A>G

Gene: SCN3A (sodium voltage-gated channel alpha subunit 3; minus strand). Cytogenetic location: 2q24.3.
Variant type: single nucleotide variant.
Coding change: c.603-182A>G on transcript NM_006922.4 (MANE Select); 182 bases into the intron before coding-DNA position 603, A replaced by G.
Molecular consequence: intron variant. On other transcripts: missense variant (1).
Genome position (GRCh38, 1-based): chr2:165,163,891, T>C on the plus strand (A>G on the coding strand, the complement: SCN3A is on the minus strand). VCF-style: chr2-165163891-T-C. GRCh37 (hg19) VCF-style: chr2-166020401-T-C.
Other names: c.605A>G, p.Tyr202Cys (NM_001081677.2); c.603-182A>G (NM_001081676.2); short protein forms Y202C.
Identifiers: ClinVar variation 3373519 (VCV003373519.1).
Genomic context (GRCh38, chr2:165,163,891, plus strand): 5'-CTCAAGACTCTGAAAGTTCGAAGGGCTGAAACATTGCCTAGGCTTACAAATTCTGTTACA[T>C]ACCTGCAGAATTAAATCAGAGTTACTGATAGTTTTGGCAAAGTTTATACTAAATAAGGAC-3'